The following is an entry in ClinVar:

ClinVar aggregate classification (germline): Likely pathogenic. Review status: reviewed by expert panel (3 of 4 stars). 5 submissions from 5 submitters: Likely pathogenic (1). 4 of the submissions do not count toward it. Last evaluated 2024-06-25.

Conditions:
Von Hippel-Lindau syndrome (VHLS). Also called: Von Hippel-Lindau; von Hippel–Lindau syndrome; VHL syndrome. Identifiers: Orphanet 892, MedGen C0019562, MONDO:0008667, OMIM 193300. Disease mechanism: loss of function.
Chuvash polycythemia. Also called: POLYCYTHEMIA, VHL-DEPENDENT. Identifiers: Orphanet 238557, MedGen C1837915, MONDO:0009892, OMIM 263400.
Hereditary cancer-predisposing syndrome. Also called: Tumor predisposition; Hereditary neoplastic syndrome; Neoplastic Syndromes, Hereditary; Hereditary Cancer Syndrome. Identifiers: Orphanet 140162, MedGen C0027672, MeSH D009386, MONDO:0015356.

Allele frequency attached by ClinVar (database versions not stated): gnomAD exomes below 0.00001.

Submissions (5):

ClinGen VHL Variant Curation Expert Panel, ClinGen
Classification: Likely pathogenic for Von Hippel-Lindau syndrome. Last evaluated: 2024-06-25. Review status: reviewed by expert panel. Criteria: ClinGen VHL VCEP ACMG Specifications VHL V1. Collection method: curation. Allele origin: germline. Inheritance: Autosomal dominant inheritance.
Comment: The variant NM_000551.4(VHL):c.264G>T (p.Trp88Cys) is a missense variant predicted to cause substitution of Cysteine for Tryptophan at position 88. There is one variant present in gnomAD v4.1.0. The GroupMax Filtering Allele Frequency (95% CI) in gnomAD v4.1.0 is not calculated. PM2_Supporting can be applied for variants with <= 0.0000015 (0.00015%) frequency in gnomAD, or if no GroupMax Filtering Allele Frequency is calculated (PM2_Supporting). Three commercial laboratories report at total of 6 cases harboring this variant, and sum to a total of 4 points (Moderate). Gene DX: Case1(1 point) bilateral clear cell renal cell carcinoma and hemangioblastoma as a minor. (PS4_Moderate). HIF degradation assays in mouse embryonic fibroblasts showed W88C was unable to degrade HIF1a or HIF2a compared to wild type VHL, indicting that this variant impacts protein functions (PMID:21715564)(PS3_Supporting). This variant is located in a mutational hotspot (PMID:35475554). There are multiple other nucleotide and amino acid substitutions at this position in ClinVar, including: NM_000551.4(VHL):c.264G>C (p.Trp88Cys), NM_000551.4(VHL):c.263G>C (p.Trp88Ser), NM_000551.4(VHL):c.262T>A (p.Trp88Arg), NM_000551.4(VHL):c.262T>C (p.Trp88Arg). (PM1). The computational predictor REVEL gives a score of 0.945, which is above the threshold of >=0.664, evidence that correlates with impact to VHL function (PP3). In summary, this variant meets the criteria to be classified as Likely Pathogenic for autosomal-dominant von Hippel Lindau syndrome (VHL syndrome) based on the ACMG/AMP criteria applied, as specified by the ClinGen VHL VCEP Version 1.0 (Specifications approval date: 02/26/2024. Variant Approval Date 06/25/2024).

Ambry Genetics
Classification: Likely pathogenic for Hereditary cancer-predisposing syndrome. Last evaluated: 2023-07-03. Review status: criteria provided, single submitter. Criteria: Ambry Variant Classification Scheme 2023. Collection method: clinical testing. Allele origin: germline. Not counted in ClinVar's aggregate classification.
Comment: The p.W88C variant (also known as c.264G>T), located in coding exon 1 of the VHL gene, results from a G to T substitution at nucleotide position 264. The tryptophan at codon 88 is replaced by cysteine, an amino acid with highly dissimilar properties. This alteration has been identified in a cohort of over 25,000 individuals who underwent multigene panel testing (eMERGE Consortium. Am J Hum Genet, 2019 09;105:588-605). A similar alteration resulting in the same amino acid change (W88C) but with a different nucleotide change (referred to as 477G/C) has been reported in one individual diagnosed with CNS hemangioblastomas (Gl&auml;sker S et al. J. Neurol. Neurosurg. Psychiatr. 1999 Dec;67(6):758-62). This amino acid position is highly conserved in available vertebrate species. In addition, this alteration is predicted to be deleterious by in silico analysis. This variant is considered to be rare based on population cohorts in the Genome Aggregation Database (gnomAD). Based on the majority of available evidence to date, this variant is likely to be pathogenic.

Labcorp Genetics (formerly Invitae), Labcorp
Classification: Pathogenic for Von Hippel-Lindau syndrome; Chuvash polycythemia. Last evaluated: 2022-03-08. Review status: criteria provided, single submitter. Criteria: Invitae Variant Classification Sherloc (09022015). Collection method: clinical testing. Allele origin: germline. Not counted in ClinVar's aggregate classification.
Comment: This missense change has been observed in individuals with clinical features of von Hippel-Lindau (VHL) syndrome (PMID: 10567493; Invitae). This variant is not present in population databases (gnomAD no frequency). This sequence change replaces tryptophan, which is neutral and slightly polar, with cysteine, which is neutral and slightly polar, at codon 88 of the VHL protein (p.Trp88Cys). For these reasons, this variant has been classified as Pathogenic. This variant disrupts the p.Trp88 amino acid residue in VHL. Other variant(s) that disrupt this residue have been determined to be pathogenic (PMID: 7728151, 8956040, 10567493, 17024664). This suggests that this residue is clinically significant, and that variants that disrupt this residue are likely to be disease-causing. Experimental studies have shown that this missense change affects VHL function (PMID: 21715564). Advanced modeling of protein sequence and biophysical properties (such as structural, functional, and spatial information, amino acid conservation, physicochemical variation, residue mobility, and thermodynamic stability) performed at Invitae indicates that this missense variant is expected to disrupt VHL protein function. ClinVar contains an entry for this variant (Variation ID: 223171).

Laboratory for Molecular Medicine, Mass General Brigham Personalized Medicine
Classification: Likely pathogenic for Von Hippel-Lindau syndrome. Last evaluated: 2018-03-27. Review status: criteria provided, single submitter. Criteria: LMM Criteria. Collection method: clinical testing. Allele origin: germline. Observed: 1 variant allele. Not counted in ClinVar's aggregate classification.
Comment: The p.Trp88Cys variant in VHL has been reported in at least 5 individuals with v on Hippel-Landau syndrome (VHL; Glasker 1999, Clinvar Variation ID: 223171), and was absent from large population studies. In vitro functional studies provide s ome evidence that the p.Trp88Cys variant may impact protein function (Reschestei ner 2011). Computational prediction tools and conservation analysis suggest that the p.Trp88Cys variant may impact the protein. Additionally, other missense va riants at this position (p.Trp88Arg and p.Trp88Ser) have been reported in indivi duals with VHL (Glasker 2001, Rocha 2003, Chen 1995, Ong 2007, Jilg 2012, Stanoj evic 2007, Wong 2016), suggesting that a change at this amino acid position is n ot tolerated. In summary, although additional studies are required to fully esta blish its clinical significance, the p.Trp88Cys variant is likely pathogenic. AC MG/AMP criteria applied (Richards 2015): PM2; PM5; PP3; PS3_supporting; PS4_supp orting.

Genomic Diagnostic Laboratory, Division of Genomic Diagnostics, Children's Hospital of Philadelphia
Classification: Likely pathogenic for Von Hippel-Lindau syndrome. Last evaluated: 2016-02-26. Review status: no assertion criteria provided. Collection method: clinical testing. Allele origin: germline. Affected: yes. Observed: 5 variant alleles. Not counted in ClinVar's aggregate classification.

Literature cited by the submitters: PubMed 35475554 (cited by ClinGen VHL Variant Curation Expert Panel, ClinGen); PubMed 21715564 (cited by 3 submitters); PubMed 31447099 (cited by Ambry Genetics); PubMed 10567493 (cited by Labcorp Genetics (formerly Invitae), Labcorp and Laboratory for Molecular Medicine, Mass General Brigham Personalized Medicine); PubMed 7728151 (cited by Labcorp Genetics (formerly Invitae), Labcorp and Laboratory for Molecular Medicine, Mass General Brigham Personalized Medicine); PubMed 8956040 (cited by Labcorp Genetics (formerly Invitae), Labcorp); PubMed 17024664 (cited by Labcorp Genetics (formerly Invitae), Labcorp and Laboratory for Molecular Medicine, Mass General Brigham Personalized Medicine); PubMed 12624160 (cited by Laboratory for Molecular Medicine, Mass General Brigham Personalized Medicine); PubMed 27527340 (cited by Laboratory for Molecular Medicine, Mass General Brigham Personalized Medicine); PubMed 11309459 (cited by Laboratory for Molecular Medicine, Mass General Brigham Personalized Medicine); PubMed 22156657 (cited by Laboratory for Molecular Medicine, Mass General Brigham Personalized Medicine); PubMed 17688370 (cited by Laboratory for Molecular Medicine, Mass General Brigham Personalized Medicine).

NM_000551.4(VHL):c.264G>T (p.Trp88Cys)

Gene: VHL (von Hippel-Lindau tumor suppressor; plus strand). Cytogenetic location: 3p25.3.
Variant type: single nucleotide variant.
Coding change: c.264G>T on transcript NM_000551.4 (MANE Select); coding-DNA position 264, G replaced by T.
Protein change: p.Trp88Cys; replaces tryptophan 88 with cysteine.
Molecular consequence: missense variant.
Genome position (GRCh38, 1-based): chr3:10,142,111, G>T. VCF-style: chr3-10142111-G-T. GRCh37 (hg19) VCF-style: chr3-10183795-G-T.
Other names: NM_000551.4(VHL):c.264G>T; c.264G>T, p.Trp88Cys (NM_001354723.2, NM_198156.3); short protein forms W88C.
Identifiers: ClinVar variation 223171 (VCV000223171.21), dbSNP rs869025622, ClinGen allele CA357078.
Genomic context (GRCh38, chr3:10,142,111, plus strand): 5'-GCGCGAGCCCTCCCAGGTCATCTTCTGCAATCGCAGTCCGCGCGTCGTGCTGCCCGTATG[G>T]CTCAACTTCGACGGCGAGCCGCAGCCCTACCCAACGCTGCCGCCTGGCACGGGCCGCCGC-3'
Protein context (NP_000542.1, residues 78-98): NRSPRVVLPV[Trp88Cys]LNFDGEPQPY